The following is an entry in ClinVar:

NM_001276270.2(MBD4):c.529A>T (p.Asn177Tyr)

Gene: MBD4 (methyl-CpG binding domain 4, DNA glycosylase; minus strand). Cytogenetic location: 3q21.3.
Variant type: single nucleotide variant.
Coding change: c.529A>T on transcript NM_001276270.2 (MANE Select); coding-DNA position 529, A replaced by T.
Protein change: p.Asn177Tyr; replaces asparagine 177 with tyrosine.
Molecular consequence: missense variant. On other transcripts: intron variant (1).
Genome position (GRCh38, 1-based): chr3:129,437,115, T>A on the plus strand (A>T on the coding strand, the complement: MBD4 is on the minus strand). VCF-style: chr3-129437115-T-A. GRCh37 (hg19) VCF-style: chr3-129155958-T-A.
Other names: c.529A>T, p.Asn177Tyr (NM_001276271.2, NM_001276272.2, NM_003925.3); c.247+693A>T (NM_001276273.2); short protein forms N177Y.
Identifiers: ClinVar variation 4624395 (VCV004624395.1).
Genomic context (GRCh38, chr3:129,437,115, plus strand): 5'-CTGAACTACTACTTGGCGGCATAAACACATCCTTTTTGCACTTGCTTCGGGTCCTGAGGT[T>A]CCAGTTTGAATTGTTACTTTGGTTTTGTAGATGGGATGTCAGGGCTGCCATGCTGCAGTC-3'
Protein context (NP_001263199.1, residues 167-187): LQNQSNNSNW[Asn177Tyr]LRTRSKCKKD

ClinVar aggregate classification (germline): Uncertain significance (1 of 4 stars; one submission).

Conditions:
Inborn genetic diseases. Identifiers: MedGen C0950123, MeSH D030342.

gnomAD v4.1: 1 of 1,613,980 alleles (0.000062%); highest among the groups gnomAD compares: South Asian, 0.0011%; no homozygotes.

Submission:

Ambry Genetics
Classification: Uncertain significance for Inborn genetic diseases. Last evaluated: 2025-10-03. Review status: criteria provided, single submitter. Criteria: Ambry Variant Classification Scheme 2023. Collection method: clinical testing. Allele origin: germline.
Comment: The p.N177Y variant (also known as c.529A>T), located in coding exon 3 of the MBD4 gene, results from an A to T substitution at nucleotide position 529. The asparagine at codon 177 is replaced by tyrosine, an amino acid with dissimilar properties. This amino acid position is conserved. In addition, the in silico prediction for this alteration is inconclusive. Based on the available evidence, the clinical significance of this variant remains unclear.